The following is an entry in ClinVar:

ClinVar aggregate classification (germline): Likely benign. Review status: criteria provided, single submitter (1 of 4 stars). 2 submissions from 2 submitters: Likely benign (1). 1 of the submissions does not count toward it. Last evaluated 2025-08-10.

Conditions:
ACADSB-related disorder. Also called: ACADSB-related condition.
Deficiency of 2-methylbutyryl-CoA dehydrogenase (ACADSB). Also called: 2-methylbutyryl-CoA dehydrogenase deficiency; SBCAD deficiency; 2-methylbutyric aciduria; Short branched-chain acyl-CoA dehydrogenase deficiency; 2-methylbutyrylglycinuria. Identifiers: Orphanet 79157, MedGen C1864912, MONDO:0012392, OMIM 610006, HP:0020147.

Allele frequency attached by ClinVar (database versions not stated): gnomAD 0.00002 and 0.00004; TOPMed 0.00006; gnomAD exomes 0.00007 and 0.00011; ESP Exome Variant Server 0.00008; ExAC 0.00012; 1000 Genomes Project 0.00060; 1000 Genomes Project 30x 0.00062.
gnomAD v4.1: 109 of 1,608,180 alleles (0.0068%); highest among the groups gnomAD compares: South Asian, 0.043%; no homozygotes.

Submissions (2):

Labcorp Genetics (formerly Invitae), Labcorp
Classification: Likely benign for Deficiency of 2-methylbutyryl-CoA dehydrogenase. Last evaluated: 2025-08-10. Review status: criteria provided, single submitter. Criteria: Invitae Variant Classification Sherloc (09022015). Collection method: clinical testing. Allele origin: germline.

PreventionGenetics, part of Exact Sciences
Classification: Likely benign for ACADSB-related condition. Last evaluated: 2022-07-08. Review status: no assertion criteria provided. Collection method: clinical testing. Allele origin: germline. Not counted in ClinVar's aggregate classification.
Comment: This variant is classified as likely benign based on ACMG/AMP sequence variant interpretation guidelines (Richards et al. 2015 PMID: 25741868, with internal and published modifications).

NM_001609.4(ACADSB):c.915G>A (p.Ala305=)

Gene: ACADSB (acyl-CoA dehydrogenase short/branched chain; plus strand). Cytogenetic location: 10q26.13.
Variant type: single nucleotide variant.
Coding change: c.915G>A on transcript NM_001609.4 (MANE Select); coding-DNA position 915, G replaced by A.
Protein change: p.Ala305=; no amino-acid change (alanine 305 retained).
Molecular consequence: synonymous variant.
Genome position (GRCh38, 1-based): chr10:123,047,223, G>A. VCF-style: chr10-123047223-G-A. GRCh37 (hg19) VCF-style: chr10-124806739-G-A.
Other names: c.609G>A, p.Ala203= (NM_001330174.3); c.915G>A (NM_001609.3).
Identifiers: ClinVar variation 1122613 (VCV001122613.11), dbSNP rs371907721, ClinGen allele CA5730856.